The following is an entry in ClinVar:

ClinVar aggregate classification (germline): Benign. Review status: criteria provided, multiple submitters, no conflicts (2 of 4 stars). 5 submissions from 5 submitters: Benign (5). Last evaluated 2026-02-03.

Conditions:
Retinal dystrophy. Also called: Inherited retinal dystrophy. Identifiers: Orphanet 71862, MedGen C0854723, MeSH D058499, MONDO:0019118, HP:0000556.
Retinitis pigmentosa 54 (RP54). Identifiers: Orphanet 791, MedGen C3150691, MONDO:0013263, OMIM 613428.
Retinitis pigmentosa (RP). Identifiers: Orphanet 791, MedGen C0035334, MeSH D012174, MONDO:0019200, OMIM 268000. Inheritance: Autosomal dominant, autosomal recessive and X linked inheritance.

Allele frequency attached by ClinVar (database versions not stated): 1000 Genomes Project 30x 0.11087; 1000 Genomes Project 0.11122; gnomAD 0.15061 and 0.15123; TOPMed 0.15327; gnomAD exomes 0.16418; ExAC 0.16567; ESP Exome Variant Server 0.16815.

Submissions (5):

Labcorp Genetics (formerly Invitae), Labcorp
Classification: Benign. Last evaluated: 2026-02-03. Review status: criteria provided, single submitter. Criteria: Invitae Variant Classification Sherloc (09022015). Collection method: clinical testing. Allele origin: germline.

Dept Of Ophthalmology, Nagoya University
Classification: Benign for Retinal dystrophy. Last evaluated: 2023-10-01. Review status: criteria provided, single submitter. Criteria: Submitter's publication. Collection method: research. Allele origin: germline. Affected: yes.

Genome-Nilou Lab
Classification: Benign for Retinitis pigmentosa 54. Last evaluated: 2021-07-14. Review status: criteria provided, single submitter. Criteria: ACMG Guidelines, 2015. Collection method: clinical testing. Allele origin: germline. Affected: no.

Illumina Laboratory Services, Illumina
Classification: Benign for Retinitis pigmentosa. Last evaluated: 2018-01-13. Review status: criteria provided, single submitter. Criteria: ICSL Variant Classification Criteria 13 December 2019. Collection method: clinical testing. Allele origin: germline.
Comment: This variant was observed in the ICSL laboratory as part of a predisposition screen in an ostensibly healthy population. It had not been previously curated by ICSL or reported in the Human Gene Mutation Database (HGMD: prior to June 1st, 2018), and was therefore a candidate for classification through an automated scoring system. Utilizing variant allele frequency, disease prevalence and penetrance estimates, and inheritance mode, an automated score was calculated to assess if this variant is too frequent to cause the disease. Based on the score and internal cut-off values, a variant classified as benign is not then subjected to further curation. The score for this variant resulted in a classification of benign for this disease.

Breakthrough Genomics
Classification: Benign. Review status: criteria provided, single submitter. Criteria: ACMG Guidelines, 2015. Collection method: not provided. Allele origin: germline. Inheritance: Unknown mechanism. Affected: yes.

NM_001029883.3(PCARE):c.258G>A (p.Arg86=)

Gene: PCARE (photoreceptor cilium actin regulator; minus strand). Cytogenetic location: 2p23.2.
Variant type: single nucleotide variant.
Coding change: c.258G>A on transcript NM_001029883.3 (MANE Select); coding-DNA position 258, G replaced by A.
Protein change: p.Arg86=; no amino-acid change (arginine 86 retained).
Molecular consequence: synonymous variant.
Genome position (GRCh38, 1-based): chr2:29,074,004, C>T on the plus strand (G>A on the coding strand, the complement: PCARE is on the minus strand). VCF-style: chr2-29074004-C-T. GRCh37 (hg19) VCF-style: chr2-29296870-C-T.
Identifiers: ClinVar variation 335672 (VCV000335672.18), dbSNP rs62132765, ClinGen allele CA1592687.